The following is an entry in ClinVar:

NM_018341.3(ERMARD):c.1421_1426dup (p.Cys475_His476insProCys)

Gene: ERMARD (ER membrane associated RNA degradation; plus strand). Cytogenetic location: 6q27.
Variant type: Duplication.
Coding change: c.1421_1426dup on transcript NM_018341.3 (MANE Select); coding-DNA positions 1421 to 1426, 6 bases duplicated (CCTGCC; older notation c.1421_1426dupCCTGCC).
Protein change: p.Cys475_His476insProCys.
Genome position (GRCh38, 1-based): chr6:169,775,966-169,775,971, CCTGCC duplicated. VCF-style (leftmost placement, unchanged base first): chr6-169775965-G-GCCTGCC. GRCh37 (hg19) VCF-style: chr6-170176061-G-GCCTGCC.
Other names: c.1421_1426dup, p.Cys475_His476insProCys (NM_001278531.2, NM_001278533.2); c.1043_1048dup, p.Cys349_His350insProCys (NM_001278532.2); c.1013_1018dup, p.Cys339_His340insProCys (NM_001410957.1).
Identifiers: ClinVar variation 3683931 (VCV003683931.2).
Genomic context (GRCh38, chr6:169,775,965, plus strand): 5'-TTGTCACGTATCTTTAAATATTTTCTGTTTTTCAGATTAGAAGATAATTCTGAAACAAAT[G>GCCTGCC]CCTGCCACTCTTTGATTACAAAAATGACGGATGAGCTGTATCACCATATGCCTGAGAATC-3'

ClinVar aggregate classification (germline): Uncertain significance (1 of 4 stars; one submission).

Submission:

Labcorp Genetics (formerly Invitae), Labcorp
Classification: Uncertain significance. Last evaluated: 2024-04-02. Review status: criteria provided, single submitter. Criteria: Invitae Variant Classification Sherloc (09022015). Collection method: clinical testing. Allele origin: germline.
Comment: This variant, c.1421_1426dup, results in the insertion of 2 amino acid(s) of the ERMARD protein (p.Cys475_His476insProCys), but otherwise preserves the integrity of the reading frame. This variant is not present in population databases (gnomAD no frequency). This variant has not been reported in the literature in individuals affected with ERMARD-related conditions. In summary, the available evidence is currently insufficient to determine the role of this variant in disease. Therefore, it has been classified as a Variant of Uncertain Significance.